The following is an entry in ClinVar:

ClinVar aggregate classification (germline): Uncertain significance. Review status: criteria provided, multiple submitters, no conflicts (2 of 4 stars). 2 submissions from 2 submitters: Uncertain significance (2). Last evaluated 2024-02-28.

Conditions:
Hereditary spastic paraplegia. Also called: Familial spastic paraparesis. Identifiers: Orphanet 685, MedGen C0037773, MONDO:0019064. Disease mechanism: loss of function.

Allele frequency attached by ClinVar (database versions not stated): gnomAD 0.00001; TOPMed 0.00001; gnomAD exomes 0.00002.
gnomAD v4.1: 37 of 1,590,028 alleles (0.0023%); highest among the groups gnomAD compares: Non-Finnish European, 0.0027%; no homozygotes.

Submissions (2):

Labcorp Genetics (formerly Invitae), Labcorp
Classification: Uncertain significance. Last evaluated: 2024-02-28. Review status: criteria provided, single submitter. Criteria: Invitae Variant Classification Sherloc (09022015). Collection method: clinical testing. Allele origin: germline.
Comment: This sequence change replaces valine, which is neutral and non-polar, with isoleucine, which is neutral and non-polar, at codon 174 of the POLG2 protein (p.Val174Ile). The frequency data for this variant in the population databases is considered unreliable, as metrics indicate poor data quality at this position in the gnomAD database. This variant has not been reported in the literature in individuals affected with POLG2-related conditions. ClinVar contains an entry for this variant (Variation ID: 1343948). An algorithm developed to predict the effect of missense changes on protein structure and function (PolyPhen-2) suggests that this variant is likely to be tolerated. In summary, the available evidence is currently insufficient to determine the role of this variant in disease. Therefore, it has been classified as a Variant of Uncertain Significance.

Genome Diagnostics Laboratory, The Hospital for Sick Children
Classification: Uncertain significance for Hereditary spastic paraplegia. Last evaluated: 2017-07-19. Review status: criteria provided, single submitter. Criteria: ACMG Guidelines, 2015. Collection method: clinical testing. Allele origin: germline. Affected: yes.

NM_007215.4(POLG2):c.520G>A (p.Val174Ile)

Genes: POLG2 (DNA polymerase gamma 2, accessory subunit; minus strand), MILR1 (mast cell immunoglobulin like receptor 1; plus strand). Cytogenetic location: 17q23.3.
Variant type: single nucleotide variant.
Coding change: c.520G>A on transcript NM_007215.4 (MANE Select); coding-DNA position 520, G replaced by A.
Protein change: p.Val174Ile; replaces valine 174 with isoleucine.
Molecular consequence: missense variant.
Genome position (GRCh38, 1-based): chr17:64,496,449, C>T on the plus strand (G>A on the coding strand, the complement: POLG2 is on the minus strand). VCF-style: chr17-64496449-C-T. GRCh37 (hg19) VCF-style: chr17-62492567-C-T.
Other names: short protein forms V174I.
Identifiers: ClinVar variation 1343948 (VCV001343948.9), dbSNP rs1331115392, ClinGen allele CA400640759.